The following is an entry in ClinVar:

NM_001276270.2(MBD4):c.339A>G (p.Pro113=)

Gene: MBD4 (methyl-CpG binding domain 4, DNA glycosylase; minus strand). Cytogenetic location: 3q21.3.
Variant type: single nucleotide variant.
Coding change: c.339A>G on transcript NM_001276270.2 (MANE Select); coding-DNA position 339, A replaced by G.
Protein change: p.Pro113=; no amino-acid change (proline 113 retained).
Molecular consequence: synonymous variant. On other transcripts: intron variant (1).
Genome position (GRCh38, 1-based): chr3:129,437,305, T>C on the plus strand (A>G on the coding strand, the complement: MBD4 is on the minus strand). VCF-style: chr3-129437305-T-C. GRCh37 (hg19) VCF-style: chr3-129156148-T-C.
Other names: c.339A>G, p.Pro113= (NM_001276271.2, NM_001276272.2, NM_003925.3); c.247+503A>G (NM_001276273.2).
Identifiers: ClinVar variation 3675216 (VCV003675216.4).

ClinVar aggregate classification (germline): Benign/Likely benign. Review status: criteria provided, multiple submitters, no conflicts (2 of 4 stars). 3 submissions from 3 submitters: Benign (1); Likely benign (2). Last evaluated 2026-06-09.

Conditions:
Tumor predisposition syndrome 2 (TPDS2). Also called: MBD4-ASSOCIATED NEOPLASIA SYNDROME; MBD4-Related Tumor Predisposition Syndrome; MBD4-associated neoplasia syndrome (MANS). Identifiers: Orphanet 661526, MedGen C5774186, MONDO:0859267, OMIM 619975.
Inborn genetic diseases. Identifiers: MedGen C0950123, MeSH D030342.

gnomAD v4.1: 8 of 1,604,218 alleles (0.0005%); highest among the groups gnomAD compares: African/African-American, 0.0013%; no homozygotes.

Submissions (3):

Myriad Genetics, Inc.
Classification: Benign for Tumor predisposition syndrome 2. Last evaluated: 2026-06-09. Review status: criteria provided, single submitter. Criteria: Myriad Autosomal Dominant, Autosomal Recessive and X-Linked Classification Criteria (2023). Collection method: clinical testing. Allele origin: unknown.
Comment: This variant is considered benign. This variant is a silent/synonymous amino acid change and it is not expected to impact splicing.

Labcorp Genetics (formerly Invitae), Labcorp
Classification: Likely benign. Last evaluated: 2026-01-25. Review status: criteria provided, single submitter. Criteria: Invitae Variant Classification Sherloc (09022015). Collection method: clinical testing. Allele origin: germline.

Ambry Genetics
Classification: Likely benign for Inborn genetic diseases. Last evaluated: 2024-12-12. Review status: criteria provided, single submitter. Criteria: Ambry Variant Classification Scheme 2023. Collection method: clinical testing. Allele origin: germline.